The following is an entry in ClinVar:

ClinVar aggregate classification (germline): Uncertain significance (1 of 4 stars; one submission).

Allele frequency attached by ClinVar (database versions not stated): gnomAD exomes below 0.00001; TOPMed 0.00002; gnomAD 0.00005.

Submission:

Labcorp Genetics (formerly Invitae), Labcorp
Classification: Uncertain significance. Last evaluated: 2025-01-27. Review status: criteria provided, single submitter. Criteria: Invitae Variant Classification Sherloc (09022015). Collection method: clinical testing. Allele origin: germline.
Comment: This sequence change creates a premature translational stop signal (p.Val463Cysfs*) in the FSCN2 gene. While this is not anticipated to result in nonsense mediated decay, it is expected to disrupt the last 54 amino acid(s) of the FSCN2 protein. This variant is not present in population databases (gnomAD no frequency). This variant has not been reported in the literature in individuals affected with FSCN2-related conditions. ClinVar contains an entry for this variant (Variation ID: 2064221). In summary, the available evidence is currently insufficient to determine the role of this variant in disease. Therefore, it has been classified as a Variant of Uncertain Significance.

NM_012418.4(FSCN2):c.1315del (p.Val439fs)

Gene: FSCN2 (fascin actin-bundling protein 2, retinal; plus strand). Cytogenetic location: 17q25.3.
Variant type: Deletion.
Coding change: c.1315del on transcript NM_012418.4 (MANE Select); coding-DNA position 1315, one base deleted (G; older notation c.1315delG).
Protein change: p.Val439fs; shifts the reading frame from valine 439.
Molecular consequence: frameshift variant.
Genome position (GRCh38, 1-based): chr17:81,536,916, G deleted. VCF-style (leftmost placement, unchanged base first): chr17-81536915-CG-C. GRCh37 (hg19) VCF-style: chr17-79503941-CG-C.
Other names: c.1387del, p.Val463fs (NM_001077182.3); short protein forms V463fs, V439fs.
Identifiers: ClinVar variation 2064221 (VCV002064221.4), dbSNP rs2032903291, ClinGen allele CA986859152.